The following is an entry in ClinVar:

NM_001029998.6(SLC10A7):c.184G>T (p.Glu62Ter)

Gene: SLC10A7 (solute carrier family 10 member 7; minus strand). Cytogenetic location: 4q31.22.
Variant type: single nucleotide variant.
Coding change: c.184G>T on transcript NM_001029998.6 (MANE Select); coding-DNA position 184, G replaced by T.
Protein change: p.Glu62Ter; replaces glutamic acid 62 with a stop codon.
Molecular consequence: nonsense. On other transcripts: non-coding transcript variant (1), intron variant (1).
Genome position (GRCh38, 1-based): chr4:146,510,049, C>A on the plus strand (G>T on the coding strand, the complement: SLC10A7 is on the minus strand). VCF-style: chr4-146510049-C-A. GRCh37 (hg19) VCF-style: chr4-147431201-C-A.
Other names: c.184G>T, p.Glu62Ter (NM_001300842.3, NM_001317816.2, NM_032128.5); c.184-6125G>T (NM_001317817.2); short protein forms E62*.
Identifiers: ClinVar variation 1456568 (VCV001456568.6), dbSNP rs1560980728, ClinGen allele CA358413597.

ClinVar aggregate classification (germline): Pathogenic (1 of 4 stars; one submission).

Allele frequency attached by ClinVar (database versions not stated): gnomAD exomes below 0.00001.
gnomAD v4.1: 1 of 1,591,050 alleles (0.000063%); highest among the groups gnomAD compares: Non-Finnish European, 0.000085%; no homozygotes.

Submission:

Labcorp Genetics (formerly Invitae), Labcorp
Classification: Pathogenic. Last evaluated: 2021-10-25. Review status: criteria provided, single submitter. Criteria: Invitae Variant Classification Sherloc (09022015). Collection method: clinical testing. Allele origin: germline.
Comment: For these reasons, this variant has been classified as Pathogenic. This variant has not been reported in the literature in individuals affected with SLC10A7-related conditions. This variant is not present in population databases (gnomAD no frequency). This sequence change creates a premature translational stop signal (p.Glu62*) in the SLC10A7 gene. It is expected to result in an absent or disrupted protein product. Loss-of-function variants in SLC10A7 are known to be pathogenic (PMID: 30082715).

Literature cited by the submitters: PubMed 30082715.